The following is an entry in ClinVar:

ClinVar aggregate classification (germline): Conflicting classifications of pathogenicity. Review status: criteria provided, conflicting classifications (1 of 4 stars). 2 submissions from 2 submitters: Pathogenic (1); Uncertain significance (1). Last evaluated 2026-01-20.

Conditions:
Neurodegeneration with brain iron accumulation 5 (NBIA5). Also called: Beta-propeller protein-associated neurodegeneration; STATIC ENCEPHALOPATHY OF CHILDHOOD WITH NEURODEGENERATION IN ADULTHOOD. Identifiers: Orphanet 329284, MedGen C3550973, MONDO:0010476, OMIM 300894.

Submissions (2):

3billion
Classification: Uncertain significance for Neurodegeneration with brain iron accumulation 5. Last evaluated: 2026-01-20. Review status: criteria provided, single submitter. Criteria: ACMG Guidelines, 2015. Collection method: clinical testing. Allele origin: germline. Affected: yes.
Comment: The variant is not observed in the gnomAD v4.1.0 dataset. Predicted Consequence/Location: Missense variant In silico tool predictions suggest damaging effect of the variant on gene or gene product [REVEL: 0.70 (>=0.6, sensitivity 0.68 and specificity 0.92); 3Cnet: 0.06 (> 0.75, sensitivity 0.96 and precision 0.92)]. The same nucleotide change resulting in the same amino acid change has been previously reported to be associated with WDR45-related disorder (ClinVar ID: VCV003656558). However, the evidence of pathogenicity is insufficient at this time. A different missense change at the same codon (p.Ile188Ser) has been reported to be associated with WDR45-related disorder (ClinVar ID: VCV003897652). Therefore, this variant is classified as VUS according to the recommendation of ACMG/AMP guideline.

Labcorp Genetics (formerly Invitae), Labcorp
Classification: Pathogenic for Neurodegeneration with brain iron accumulation 5. Last evaluated: 2024-09-03. Review status: criteria provided, single submitter. Criteria: Invitae Variant Classification Sherloc (09022015). Collection method: clinical testing. Allele origin: germline.
Comment: This sequence change replaces isoleucine, which is neutral and non-polar, with asparagine, which is neutral and polar, at codon 189 of the WDR45 protein (p.Ile189Asn). This variant is not present in population databases (gnomAD no frequency). This missense change has been observed in individual(s) with clinical features of WDR45-related conditions (internal data). In at least one individual the variant was observed to be de novo. Invitae Evidence Modeling of protein sequence and biophysical properties (such as structural, functional, and spatial information, amino acid conservation, physicochemical variation, residue mobility, and thermodynamic stability) indicates that this missense variant is expected to disrupt WDR45 protein function with a positive predictive value of 80%. For these reasons, this variant has been classified as Pathogenic.

NM_001029896.2(WDR45):c.563T>A (p.Ile188Asn)

Gene: WDR45 (WD repeat domain 45; minus strand). Cytogenetic location: Xp11.23.
Variant type: single nucleotide variant.
Coding change: c.563T>A on transcript NM_001029896.2 (MANE Select); coding-DNA position 563, T replaced by A.
Protein change: p.Ile188Asn; replaces isoleucine 188 with asparagine.
Molecular consequence: missense variant.
Genome position (GRCh38, 1-based): chrX:49,075,707, A>T on the plus strand (T>A on the coding strand, the complement: WDR45 is on the minus strand). VCF-style: chrX-49075707-A-T. GRCh37 (hg19) VCF-style: chrX-48933366-A-T.
Other names: c.566T>A, p.Ile189Asn (NM_007075.4); short protein forms I188N, I189N.
Identifiers: ClinVar variation 3656558 (VCV003656558.3).